The following is an entry in ClinVar:

ClinVar aggregate classification (germline): Uncertain significance (1 of 4 stars; one submission).

Allele frequency attached by ClinVar (database versions not stated): TOPMed below 0.00001.

Submission:

GeneDx
Classification: Uncertain significance. Last evaluated: 2022-01-07. Review status: criteria provided, single submitter. Criteria: GeneDx Variant Classification Process June 2021. Collection method: clinical testing. Allele origin: germline. Affected: yes.
Comment: Not observed at significant frequency in large population cohorts (gnomAD); In silico analysis supports that this missense variant does not alter protein structure/function; Has not been previously published as pathogenic or benign to our knowledge

NM_024496.4(IRF2BPL):c.372G>C (p.Gln124His)

Gene: IRF2BPL (interferon regulatory factor 2 binding protein like; minus strand). Cytogenetic location: 14q24.3.
Variant type: single nucleotide variant.
Coding change: c.372G>C on transcript NM_024496.4 (MANE Select); coding-DNA position 372, G replaced by C.
Protein change: p.Gln124His; replaces glutamine 124 with histidine.
Molecular consequence: missense variant.
Genome position (GRCh38, 1-based): chr14:77,027,421, C>G on the plus strand (G>C on the coding strand, the complement: IRF2BPL is on the minus strand). VCF-style: chr14-77027421-C-G. GRCh37 (hg19) VCF-style: chr14-77493764-C-G.
Other names: short protein forms Q124H.
Identifiers: ClinVar variation 1695630 (VCV001695630.2), dbSNP rs553703325, ClinGen allele CA390499557.
Genomic context (GRCh38, chr14:77,027,421, plus strand): 5'-AGACGGGGCCGCCAGCACCGCAGGCTTGCTGGAACCATCAACGTGGTTGAGCTGTTGTTG[C>G]TGCTGCTGCTGCTGCTGCTGCTGCTGCTGTTGCTGCTGCTGCTGCTGCTGTTGCTGTTGC-3'
Protein context (NP_078772.1, residues 114-134): QQQQQQQQQQ[Gln124His]QQQLNHVDGS